The following is an entry in ClinVar:

NM_001367823.1(ARHGEF18):c.3249_3272del (p.Ala1084_Arg1091del)

Gene: ARHGEF18 (Rho/Rac guanine nucleotide exchange factor 18; plus strand). Cytogenetic location: 19p13.2.
Variant type: Deletion.
Coding change: c.3249_3272del on transcript NM_001367823.1 (MANE Select); coding-DNA positions 3249 to 3272, 24 bases deleted (TGCGGGCGCGCGGCTGCAGGAGCG).
Protein change: p.Ala1084_Arg1091del.
Molecular consequence: inframe deletion.
Genome position (GRCh38, 1-based): chr19:7,467,453-7,467,476, TGCGGGCGCGCGGCTGCAGGAGCG deleted; deleting any 24 consecutive bases within chr19:7,467,447-7,467,476 gives the same sequence; the c. name uses the placement nearest the transcript's 3' end. VCF-style (leftmost placement, unchanged base first): chr19-7467446-TGGAGCGTGCGGGCGCGCGGCTGCA-T. GRCh37 (hg19) VCF-style: chr19-7532332-TGGAGCGTGCGGGCGCGCGGCTGCA-T.
Other names: c.2523_2546del, p.Ala842_Arg849del (NM_001130955.2); c.2211_2234del, p.Ala738_Arg745del (NM_001367824.1, NM_015318.4).
Identifiers: ClinVar variation 1362989 (VCV001362989.8), dbSNP rs2145911469, ClinGen allele CA2573155889.

ClinVar aggregate classification (germline): Uncertain significance (1 of 4 stars; one submission).

Submission:

Labcorp Genetics (formerly Invitae), Labcorp
Classification: Uncertain significance. Last evaluated: 2022-02-05. Review status: criteria provided, single submitter. Criteria: Invitae Variant Classification Sherloc (09022015). Collection method: clinical testing. Allele origin: germline.
Comment: This variant is not present in population databases (gnomAD no frequency). This variant, c.2685_2708del, results in the deletion of 8 amino acid(s) of the ARHGEF18 protein (p.Ala896_Arg903del), but otherwise preserves the integrity of the reading frame. This variant has not been reported in the literature in individuals affected with ARHGEF18-related conditions. In summary, the available evidence is currently insufficient to determine the role of this variant in disease. Therefore, it has been classified as a Variant of Uncertain Significance. Experimental studies and prediction algorithms are not available or were not evaluated, and the functional significance of this variant is currently unknown.